The following is an entry in ClinVar:

NM_002667.5(PLN):c.116T>G (p.Leu39Ter)

Genes: CEP85L (centrosomal protein 85L; minus strand), PLN (phospholamban; plus strand). Cytogenetic location: 6q22.31.
Variant type: single nucleotide variant.
Coding change: c.116T>G on transcript NM_002667.5 (MANE Select); coding-DNA position 116, T replaced by G.
Protein change: p.Leu39Ter; replaces leucine 39 with a stop codon.
Molecular consequence: nonsense. On other transcripts: intron variant (3).
Genome position (GRCh38, 1-based): chr6:118,559,037, T>G. VCF-style: chr6-118559037-T-G. GRCh37 (hg19) VCF-style: chr6-118880200-T-G.
Other names: c.1029+6492A>C (NM_001178035.2); c.1020+6492A>C (NM_001042475.3, NM_206921.3); short protein forms L39*.
Identifiers: ClinVar variation 13637 (VCV000013637.44), dbSNP rs111033560, ClinGen allele CA249977.
Genomic context (GRCh38, chr6:118,559,037, plus strand): 5'-AAATGCCTCAACAAGCACGTCAAAAGCTACAGAATCTATTTATCAATTTCTGTCTCATCT[T>G]AATATGTCTCTTGCTGATCTGTATCATCGTGATGCTTCTCTGAAGTTCTGCTACAACCTC-3'

ClinVar aggregate classification (germline): Pathogenic/Likely pathogenic. Review status: criteria provided, multiple submitters, no conflicts (2 of 4 stars). 24 submissions from 22 submitters: Pathogenic (17); Likely pathogenic (1). 6 of the submissions do not count toward it. Last evaluated 2026-06-01.

Conditions:
Intrinsic cardiomyopathy. Identifiers: MedGen CN305117, MONDO:0000591.
PLN-related disorder. Also called: PLN-related condition.
Cardiac arrest. Identifiers: MedGen C0018790, MONDO:0000745, HP:0001695.
Cardiovascular phenotype. Identifiers: MedGen CN230736.
Sudden cardiac death (SCD). Also called: Sudden adult death syndrome. Identifiers: MedGen C0085298, MeSH D016757, HP:0001645.
Hypertrophic cardiomyopathy 18. Identifiers: MedGen C3151265, MONDO:0013475, OMIM 613874.
Dilated cardiomyopathy 1P (CMD1P). Identifiers: Orphanet 154, MedGen C1835928, MONDO:0012362, OMIM 609909.
Cardiomyopathy (CMYO). Also called: Cardiomyopathies. Identifiers: Orphanet 167848, MedGen C0878544, MONDO:0004994, HP:0001638. Inheritance: Various modes of inheritance.
Primary dilated cardiomyopathy (DCM). Also called: Dilated Cardiomyopathy. Identifiers: Orphanet 217604, MedGen C0007193, MeSH D002311, MONDO:0005021, HP:0001644. Inheritance: Various modes of inheritance.
Hypertrophic cardiomyopathy. Also called: HYPERTROPHIC MYOCARDIOPATHY. Identifiers: Orphanet 217569, MedGen C0007194, MeSH D002312, MONDO:0005045, HP:0001639.

Allele frequency attached by ClinVar (database versions not stated): ExAC 0.00001; gnomAD 0.00001; gnomAD exomes 0.00002; TOPMed 0.00002.
gnomAD v4.1: 31 of 1,610,992 alleles (0.0019%); highest among the groups gnomAD compares: Non-Finnish European, 0.0025%; no homozygotes.

Submissions 1 to 7 of 24:

PreventionGenetics, part of Exact Sciences
Classification: Pathogenic for PLN-related condition. Last evaluated: 2026-06-01. Review status: criteria provided, single submitter. Criteria: ACMG Guidelines, 2015. Collection method: clinical testing. Allele origin: germline.
Comment: The PLN c.116T>G variant is predicted to result in premature protein termination (p.Leu39*). This variant has been reported in the heterozygous state in individuals with hypertrophic cardiomyopathy, dilated cardiomyopathy, or left ventricular hypertrophy (Chiu et al. 2007. PubMed ID: 17655857; Landstrom et al. 2011. PubMed ID: 21167350; Ng et al. 2013. PubMed ID: 23861362; Table S7, Alfares et al. 2015. PubMed ID: 25611685; Table S2, Burns et al. 2017. PubMed ID: 28790153; Table S1B, Walsh et al. 2017. PubMed ID: 27532257). Homozygous individuals were more severely affected with dilated cardiomyopathy and heart failure (Haghighi et al. 2003. PubMed ID: 12639993). This variant is reported in 0.0035% of alleles in individuals of European (Non-Finnish) descent in gnomAD and is interpreted as pathogenic/likely pathogenic in ClinVar (Variation ID: 13637). This variant is interpreted as pathogenic.

Labcorp Genetics (formerly Invitae), Labcorp
Classification: Pathogenic for Dilated cardiomyopathy 1P. Last evaluated: 2026-01-19. Review status: criteria provided, single submitter. Criteria: Invitae Variant Classification Sherloc (09022015). Collection method: clinical testing. Allele origin: germline.
Comment: This sequence change creates a premature translational stop signal (p.Leu39*) in the PLN gene. While this is not anticipated to result in nonsense mediated decay, it is expected to disrupt the last 14 amino acid(s) of the PLN protein. This variant is present in population databases (rs111033560, gnomAD 0.004%). This premature translational stop signal has been observed in individuals with dilated cardiomyopathy (DCM) and hypertrophic cardiomyopathy (HCM) (PMID: 12639993, 17655857, 21167350, 25611685, 26535225, 27532257). It has also been observed to segregate with disease in related individuals. ClinVar contains an entry for this variant (Variation ID: 13637). Algorithms developed to predict the effect of variants on gene product structure and function are not available or were not evaluated for this variant. Experimental studies have shown that this premature translational stop signal affects PLN function (PMID: 12639993). For these reasons, this variant has been classified as Pathogenic.

Daryl Scott Lab, Baylor College of Medicine
Classification: Pathogenic for PLN-related disorder. Last evaluated: 2025-08-25. Review status: criteria provided, single submitter. Criteria: ACMG Guidelines, 2015. Collection method: clinical testing. Allele origin: maternal. Affected: yes. Observed: 1 heterozygote.
Comment: PVS1, PS3, PS4

Institute of Human Genetics Munich, TUM University Hospital
Classification: Pathogenic for Hypertrophic cardiomyopathy 18. Last evaluated: 2025-03-25. Review status: criteria provided, single submitter. Criteria: Classification criteria August 2017. Collection method: clinical testing. Allele origin: germline. Inheritance: Autosomal dominant inheritance. Affected: yes. Observed: 1 variant allele.

Molecular Diagnostic Laboratory for Inherited Cardiovascular Disease, Montreal Heart Institute
Classification: Pathogenic for Cardiovascular phenotype. Last evaluated: 2025-01-03. Review status: criteria provided, single submitter. Criteria: ACMG Guidelines, 2015. Collection method: clinical testing. Allele origin: germline. Affected: yes.
Comment: PVS1, PS4_mod, PM2, PP1_mod

Victorian Clinical Genetics Services, Murdoch Childrens Research Institute
Classification: Pathogenic for Cardiomyopathy. Last evaluated: 2024-09-20. Review status: criteria provided, single submitter. Criteria: ACMG Guidelines, 2015. Collection method: clinical testing. Allele origin: germline. Inheritance: Autosomal dominant inheritance.
Comment: Based on the classification scheme VCGS_Germline_v1.3.4, this variant is classified as Pathogenic. Following criteria are met: 0104 - Dominant negative is a known mechanism of disease for missense variants in this gene, and is associated with dilated cardiomyopathy 1P (MIM#609909), and hypertrophic cardiomyopathy 18 (MIM#613874) (PMID: 16432188). The mechanism of truncating variants is unclear. (I) 0107 - This gene is associated with autosomal dominant disease. Rare reports of biallelic individuals has also been reported (OMIM). (I) 0115 - Variants in this gene are known to have variable expressivity (PMID: 22820313, PMID: 16432188). (I) 0205 - Variant is predicted to result in a truncated protein (premature termination codon is NOT located at least 54 nucleotides upstream of the final exon-exon junction) with less than 1/3 of the protein sequence affected. (SP) 0251 - This variant is heterozygous. (I) 0302 - Variant is present in gnomAD (v2) <0.001 for a dominant condition (4 heterozygotes, 0 homozygotes). (SP) 0600 - Variant is located within the annotated phospholamban domain (DECIPHER). (I) 0801 - This variant has strong previous evidence of pathogenicity in unrelated individuals. This variant has been reported many times as likely pathogenic and pathogenic, and observed in individuals with hypertrophic cardiomyopathy, dilated cardiomyopathy and cardiac arrest, with incomplete penetrance (ClinVar). (I) Legend: (SP) - Supporting pathogenic, (I) - Information, (SB) - Supporting benign

New York Genome Center
Classification: Pathogenic for Hypertrophic cardiomyopathy 18; Dilated cardiomyopathy 1P. Last evaluated: 2024-07-31. Review status: criteria provided, single submitter. Criteria: NYGC Assertion Criteria 2020. Collection method: clinical testing. Allele origin: inherited, germline. Observed: 2 variant alleles, 2 heterozygotes. Clinical features observed: Bilateral talipes equinovarus (HP:0001776), Ventricular arrhythmia (HP:0004308).
Comment: The c.116T>G variant in PLN has previously been reported in the literature in eight unrelated individuals with dilated or hypertrophic cardiomyopathy (PMID: 12639993, 23861362, 25611685, 26535225, 27532257, 28790153, 36264615, 36788754) and in additional individuals with unexplained sudden cardiac death (PMID: 28449774, 28600387, 28986455, 35352813). In two unrelated families, the c.116T>G variant segregated with reduced penetrance and two individuals from consanguineous parents who were homozygous for the variant developed severe dilated cardiomyopathy and heart failure (PMID: 12639993). The c.116T>G variant has been deposited in Clinvar by multiple submitters as Pathogenic with affected status provided [Clinvar ID: 13637]. The c.116T>G variant is observed in 31 alleles (~0.0019% total population allele frequency with no homozygotes) on gnomad v4.1.0, suggesting it is not a common benign variant in the populations represented in that dataset, which might also include individuals with cardiomyopathies. The c.116T>G variant in PLN is located in exon 2 of this 2-exon gene and predicted to incorporate a premature stop codon (p.(Leu39Ter)), which is expected to remove the last 15 amino acids (~26% of the coding region) in the encoded protein. Functional studies suggest that the p.(Leu39Ter) variant leads to significantly reduced or absent protein expression (PMID: 12639993). Based on available evidence this heterozygous c.116T>G p.(Leu39Ter) variant identified in PLN is classified as Pathogenic.